The following is an entry in ClinVar:

NM_005861.4(STUB1):c.857T>C (p.Met286Thr)

Genes: JMJD8 (jumonji domain containing 8; minus strand), STUB1 (STIP1 homology and U-box containing protein 1; plus strand). Cytogenetic location: 16p13.3.
Variant type: single nucleotide variant.
Coding change: c.857T>C on transcript NM_005861.4 (MANE Select); coding-DNA position 857, T replaced by C.
Protein change: p.Met286Thr; replaces methionine 286 with threonine.
Molecular consequence: missense variant. On other transcripts: 3 prime UTR variant (5), non-coding transcript variant (3).
Genome position (GRCh38, 1-based): chr16:682,434, T>C. VCF-style: chr16-682434-T-C. GRCh37 (hg19) VCF-style: chr16-732434-T-C.
Other names: c.641T>C, p.Met214Thr (NM_001293197.2); c.*360A>G (NM_001005920.4, NM_001323919.3, NM_001323920.3); c.*394A>G (NM_001323918.3, NM_001323922.3); short protein forms M214T, M286T.
Identifiers: ClinVar variation 4884724 (VCV004884724.1).

ClinVar aggregate classification (germline): Uncertain significance (1 of 4 stars; one submission).

Conditions:
Spinocerebellar ataxia 48. Identifiers: Orphanet 631103, MedGen C4748158, MONDO:0032526, OMIM 618093.

Submission:

Institute of Human Genetics, University of Goettingen
Classification: Uncertain significance for Spinocerebellar ataxia 48. Last evaluated: 2026-07-29. Review status: criteria provided, single submitter. Criteria: ACMG Guidelines, 2015. Collection method: clinical testing. Allele origin: germline. Affected: yes. Observed: 1 variant allele, 1 heterozygote.
Comment: The NM_005861.4(STUB1):c.857T>C (p.Met286Thr) variant causes a missense change involving the alteration of a conserved nucleotide. The variant is absent from the gnomAD population database at sites with sufficient sequencing coverage. Splicing prediction tools (SpliceAI) predict no significant impact on normal splicing. The affected nucleotide is highly conserved across species (PhyloP 100-way vertebrate score: 7.95). No clinical diagnostic laboratories have submitted clinical-significance assessments for this variant to ClinVar. ACMG criteria used for classification: PM2_sup